The following is an entry in ClinVar:

NM_003850.3(SUCLA2):c.1267del (p.Ser423fs)

Gene: SUCLA2 (succinate-CoA ligase ADP-forming subunit beta; minus strand). Cytogenetic location: 13q14.2.
Variant type: Deletion.
Coding change: c.1267del on transcript NM_003850.3 (MANE Select); coding-DNA position 1267, one base deleted (A; older notation c.1267delA).
Protein change: p.Ser423fs; shifts the reading frame from serine 423.
Molecular consequence: frameshift variant.
Genome position (GRCh38, 1-based): chr13:47,948,990, T deleted on the plus strand (A on the coding strand, the reverse complement: SUCLA2 is on the minus strand). VCF-style (leftmost placement, unchanged base first): chr13-47948989-CT-C. GRCh37 (hg19) VCF-style: chr13-48523124-CT-C.
Other names: c.1267delA (NM_003850.2); short protein forms S423fs.
Identifiers: ClinVar variation 817362 (VCV000817362.3), dbSNP rs1593477057, ClinGen allele CA915948591.

ClinVar aggregate classification (germline): Likely pathogenic. Review status: criteria provided, multiple submitters, no conflicts (2 of 4 stars). 2 submissions from 2 submitters: Likely pathogenic (2). Last evaluated 2025-09-10.

Conditions:
Mitochondrial DNA depletion syndrome, encephalomyopathic form with methylmalonic aciduria (MTDPS5). Also called: SUCLA2-Related Mitochondrial DNA Depletion Syndrome, Encephalomyopathic Form with Methylmalonic Aciduria; MITOCHONDRIAL DNA DEPLETION SYNDROME, ENCEPHALOMYOPATHIC FORM, WITH OR WITHOUT METHYLMALONIC ACIDURIA, AUTOSOMAL RECESSIVE, SUCLA2-RELATED; Mitochondrial DNA depletion syndrome 5 (encephalomyopathic with or without methylmalonic aciduria); Mitochondrial encephalomyopathy aminoacidopathy. Identifiers: Orphanet 1933, MedGen C5980207, MONDO:0012791, OMIM 612073.

Submissions (2):

Genomic Medicine Center of Excellence, King Faisal Specialist Hospital and Research Centre
Classification: Likely pathogenic for Mitochondrial DNA depletion syndrome, encephalomyopathic form with methylmalonic aciduria. Last evaluated: 2025-09-10. Review status: criteria provided, single submitter. Criteria: ACMG Guidelines, 2015. Collection method: clinical testing. Allele origin: germline.

GeneDx
Classification: Likely pathogenic. Last evaluated: 2018-12-14. Review status: criteria provided, single submitter. Criteria: GeneDx Variant Classification (06012015). Collection method: clinical testing. Allele origin: germline. Affected: yes.
Comment: The c.1267delA variant has not been published as a pathogenic variant, nor has it been reported as a benign variant to our knowledge. The c.1267delA variant is not observed in large population cohorts (Lek et al., 2016). The deletion causes a frameshift starting with codon Serine 423, changes this amino acid to a Valine residue and creates a premature Stop codon at position 19 of the new reading frame, denoted p.Ser423ValfsX19. This variant is predicted to cause loss of normal protein function through protein truncation. In summary, we interpret c.1267delA as a likely pathogenic variant.